The following is an entry in ClinVar:

NM_000081.4(LYST):c.1691C>T (p.Ala564Val)

Gene: LYST (lysosomal trafficking regulator; minus strand). Cytogenetic location: 1q42.3.
Variant type: single nucleotide variant.
Coding change: c.1691C>T on transcript NM_000081.4 (MANE Select); coding-DNA position 1691, C replaced by T.
Protein change: p.Ala564Val; replaces alanine 564 with valine.
Molecular consequence: missense variant.
Genome position (GRCh38, 1-based): chr1:235,809,127, G>A on the plus strand (C>T on the coding strand, the complement: LYST is on the minus strand). VCF-style: chr1-235809127-G-A. GRCh37 (hg19) VCF-style: chr1-235972427-G-A.
Other names: c.1691C>T (NM_000081.2); c.1691C>T, p.Ala564Val (NM_001301365.1); short protein forms A564V.
Identifiers: ClinVar variation 2047086 (VCV002047086.4), dbSNP rs766785648, ClinGen allele CA1467419.
Genomic context (GRCh38, chr1:235,809,127, plus strand): 5'-CAGCATATTCCAATGTTATGAACACCCGATAGGATCTGGACACAAGTGCTGCTCAAGGAA[G>A]CCTGCTGTAGTAAGCGCAAGCACTGATGGGCACACACTGCAATGCAACAGCACCGCTCAG-3'
Protein context (NP_000072.2, residues 554-574): AHQCLRLLQQ[Ala564Val]SLSSTCVQIL

ClinVar aggregate classification (germline): Conflicting classifications of pathogenicity. Review status: criteria provided, conflicting classifications (1 of 4 stars). 3 submissions from 3 submitters: Uncertain significance (2); Likely benign (1). Last evaluated 2024-03-18.

Conditions:
Chédiak-Higashi syndrome (CHS). Also called: Chediak-Higashi Syndrome. Identifiers: Orphanet 167, MedGen C0007965, MONDO:0008963, OMIM 214500.
Inborn genetic diseases. Identifiers: MedGen C0950123, MeSH D030342.

Allele frequency attached by ClinVar (database versions not stated): gnomAD exomes below 0.00001; gnomAD 0.00001; TOPMed 0.00001; ExAC 0.00002.
gnomAD v4.1: 3 of 1,613,968 alleles (0.00019%); highest among the groups gnomAD compares: Admixed American, 0.005%; no homozygotes.

Submissions (3):

Ambry Genetics
Classification: Likely benign for Inborn genetic diseases. Last evaluated: 2024-03-18. Review status: criteria provided, single submitter. Criteria: Ambry Variant Classification Scheme 2023. Collection method: clinical testing. Allele origin: germline.

Labcorp Genetics (formerly Invitae), Labcorp
Classification: Uncertain significance for Chédiak-Higashi syndrome. Last evaluated: 2024-01-02. Review status: criteria provided, single submitter. Criteria: Invitae Variant Classification Sherloc (09022015). Collection method: clinical testing. Allele origin: germline.
Comment: This sequence change replaces alanine, which is neutral and non-polar, with valine, which is neutral and non-polar, at codon 564 of the LYST protein (p.Ala564Val). This variant is present in population databases (rs766785648, gnomAD 0.006%). This variant has not been reported in the literature in individuals affected with LYST-related conditions. ClinVar contains an entry for this variant (Variation ID: 2047086). Advanced modeling of protein sequence and biophysical properties (such as structural, functional, and spatial information, amino acid conservation, physicochemical variation, residue mobility, and thermodynamic stability) performed at Invitae indicates that this missense variant is not expected to disrupt LYST protein function with a negative predictive value of 80%. In summary, the available evidence is currently insufficient to determine the role of this variant in disease. Therefore, it has been classified as a Variant of Uncertain Significance.

Women's Health and Genetics/Laboratory Corporation of America, LabCorp
Classification: Uncertain significance. Last evaluated: 2023-11-21. Review status: criteria provided, single submitter. Criteria: LabCorp Variant Classification Summary - May 2015. Collection method: clinical testing. Allele origin: germline.
Comment: Variant summary: LYST c.1691C>T (p.Ala564Val) results in a non-conservative amino acid change in the encoded protein sequence. Three of four in-silico tools predict a benign effect of the variant on protein function. The variant allele was found at a frequency of 8e-06 in 250878 control chromosomes. The available data on variant occurrences in the general population are insufficient to allow any conclusion about variant significance. To our knowledge, no occurrence of c.1691C>T in individuals affected with Chediak-Higashi Syndrome and no experimental evidence demonstrating its impact on protein function have been reported. One submitter has cited clinical-significance assessments for this variant to ClinVar after 2014 and has classified the variant as uncertain significance. Based on the evidence outlined above, the variant was classified as uncertain significance.